The following is an entry in ClinVar:

ClinVar aggregate classification (germline): Uncertain significance (1 of 4 stars; one submission).

Conditions:
Hearing impairment. Also called: Impaired Hearing. Identifiers: MedGen C1384666, MONDO:0005365, HP:0000365.

Allele frequency attached by ClinVar (database versions not stated): gnomAD exomes below 0.00001 and 0.00001; TOPMed below 0.00001.
gnomAD v4.1: 11 of 1,614,142 alleles (0.00068%); highest among the groups gnomAD compares: Non-Finnish European, 0.00093%; no homozygotes.

Submission:

Department of Otolaryngology – Head & Neck Surgery, Cochlear Implant Center
Classification: Uncertain significance for Hearing impairment. Last evaluated: 2021-04-12. Review status: criteria provided, single submitter. Criteria: ClinGen HL ACMG Specifications v1. Collection method: clinical testing. Allele origin: germline. Affected: yes.
Comment: PM2_Moderate

NM_001042702.5(PJVK):c.113T>C (p.Val38Ala)

Gene: PJVK (pejvakin; plus strand). Cytogenetic location: 2q31.2.
Variant type: single nucleotide variant.
Coding change: c.113T>C on transcript NM_001042702.5 (MANE Select); coding-DNA position 113, T replaced by C.
Protein change: p.Val38Ala; replaces valine 38 with alanine.
Molecular consequence: missense variant. On other transcripts: 5 prime UTR variant (1), intron variant (1).
Genome position (GRCh38, 1-based): chr2:178,453,522, T>C. VCF-style: chr2-178453522-T-C. GRCh37 (hg19) VCF-style: chr2-179318249-T-C.
Other names: c.122T>C, p.Val41Ala (NM_001353775.2); c.218T>C, p.Val73Ala (NM_001353776.2); c.-365T>C (NM_001353778.2); c.113T>C, p.Val38Ala (NM_001369912.1); c.-334-31T>C (NM_001353777.1); short protein forms V38A, V41A, V73A.
Identifiers: ClinVar variation 1065014 (VCV001065014.3), dbSNP rs1339903244, ClinGen allele CA349397332.